The following is an entry in ClinVar:

NM_001378454.1(ALMS1):c.323A>G (p.Lys108Arg)

Gene: ALMS1 (ALMS1 centrosome and basal body associated protein; plus strand). Cytogenetic location: 2p13.1.
Variant type: single nucleotide variant.
Coding change: c.323A>G on transcript NM_001378454.1 (MANE Select); coding-DNA position 323, A replaced by G.
Protein change: p.Lys108Arg; replaces lysine 108 with arginine.
Molecular consequence: missense variant.
Genome position (GRCh38, 1-based): chr2:73,386,191, A>G. VCF-style: chr2-73386191-A-G. GRCh37 (hg19) VCF-style: chr2-73613319-A-G.
Other names: c.326A>G, p.Lys109Arg (NM_015120.4); short protein forms K108R, K109R.
Identifiers: ClinVar variation 945027 (VCV000945027.12), dbSNP rs1046964700, ClinGen allele CA50369317.

ClinVar aggregate classification (germline): Conflicting classifications of pathogenicity. Review status: criteria provided, conflicting classifications (1 of 4 stars). 6 submissions from 6 submitters: Uncertain significance (3); Likely benign (1). 2 of the submissions do not count toward it. Last evaluated 2026-07-31.

Conditions:
Cardiovascular phenotype. Identifiers: MedGen CN230736.
Retinal dystrophy. Also called: Inherited retinal dystrophy. Identifiers: Orphanet 71862, MedGen C0854723, MeSH D058499, MONDO:0019118, HP:0000556.
Alstrom syndrome (ALMS). Identifiers: Orphanet 64, MedGen C0268425, MONDO:0008763, OMIM 203800.

Allele frequency attached by ClinVar (database versions not stated): gnomAD exomes 0.00003 and 0.00004; TOPMed 0.00003; gnomAD 0.00001.
gnomAD v4.1: 49 of 1,533,230 alleles (0.0032%); highest among the groups gnomAD compares: East Asian, 0.055%; no homozygotes.

Submissions (6):

Ambry Genetics
Classification: Likely benign for Cardiovascular phenotype. Last evaluated: 2026-07-31. Review status: criteria provided, single submitter. Criteria: Ambry Variant Classification Scheme 2023. Collection method: clinical testing. Allele origin: germline.

Blueprint Genetics
Classification: Uncertain significance. Last evaluated: 2024-06-26. Review status: criteria provided, single submitter. Criteria: ACMG Guidelines, 2015. Collection method: clinical testing. Allele origin: germline.

Labcorp Genetics (formerly Invitae), Labcorp
Classification: Uncertain significance for Alstrom syndrome. Last evaluated: 2022-08-01. Review status: criteria provided, single submitter. Criteria: Invitae Variant Classification Sherloc (09022015). Collection method: clinical testing. Allele origin: germline.
Comment: This sequence change replaces lysine, which is basic and polar, with arginine, which is basic and polar, at codon 109 of the ALMS1 protein (p.Lys109Arg). This variant is present in population databases (no rsID available, gnomAD 0.01%). This variant has not been reported in the literature in individuals affected with ALMS1-related conditions. ClinVar contains an entry for this variant (Variation ID: 945027). Experimental studies and prediction algorithms are not available or were not evaluated, and the functional significance of this variant is currently unknown. Algorithms developed to predict the effect of sequence changes on RNA splicing suggest that this variant may disrupt the consensus splice site. In summary, the available evidence is currently insufficient to determine the role of this variant in disease. Therefore, it has been classified as a Variant of Uncertain Significance.

Fulgent Genetics
Classification: Uncertain significance for Alstrom syndrome. Last evaluated: 2021-09-30. Review status: criteria provided, single submitter. Criteria: ACMG Guidelines, 2015. Collection method: clinical testing. Allele origin: unknown.

Institute of Human Genetics, Univ. Regensburg, Univ. Regensburg
Classification: Uncertain significance for Retinal dystrophy. Last evaluated: 2022-01-01. Review status: no assertion criteria provided. Criteria: ACMG Guidelines, 2015. Collection method: clinical testing. Allele origin: germline. Affected: yes. Not counted in ClinVar's aggregate classification.

Natera, Inc.
Classification: Uncertain significance for Alstrom syndrome. Last evaluated: 2021-03-25. Review status: no assertion criteria provided. Collection method: clinical testing. Allele origin: germline. Not counted in ClinVar's aggregate classification.